The following is an entry in ClinVar:

ClinVar aggregate classification (germline): Uncertain significance. Review status: criteria provided, multiple submitters, no conflicts (2 of 4 stars). 2 submissions from 2 submitters: Uncertain significance (2). Last evaluated 2024-05-28.

Allele frequency attached by ClinVar (database versions not stated): gnomAD exomes below 0.00001; gnomAD 0.00011.

Submissions (2):

Ambry Genetics
Classification: Uncertain significance. Last evaluated: 2024-05-28. Review status: criteria provided, single submitter. Criteria: Ambry Variant Classification Scheme 2023. Collection method: clinical testing. Allele origin: germline.

Labcorp Genetics (formerly Invitae), Labcorp
Classification: Uncertain significance. Last evaluated: 2022-08-16. Review status: criteria provided, single submitter. Criteria: Invitae Variant Classification Sherloc (09022015). Collection method: clinical testing. Allele origin: germline.
Comment: This sequence change replaces threonine, which is neutral and polar, with proline, which is neutral and non-polar, at codon 485 of the SAMD11 protein (p.Thr485Pro). This variant is present in population databases (no rsID available, gnomAD 0.01%). This variant has not been reported in the literature in individuals affected with SAMD11-related conditions. Algorithms developed to predict the effect of missense changes on protein structure and function (SIFT, PolyPhen-2, Align-GVGD) all suggest that this variant is likely to be tolerated. In summary, the available evidence is currently insufficient to determine the role of this variant in disease. Therefore, it has been classified as a Variant of Uncertain Significance.

NM_001385641.1(SAMD11):c.1942A>C (p.Thr648Pro)

Gene: SAMD11 (sterile alpha motif domain containing 11; plus strand). Cytogenetic location: 1p36.33.
Variant type: single nucleotide variant.
Coding change: c.1942A>C on transcript NM_001385641.1 (MANE Select); coding-DNA position 1942, A replaced by C.
Protein change: p.Thr648Pro; replaces threonine 648 with proline.
Molecular consequence: missense variant.
Genome position (GRCh38, 1-based): chr1:942,947, A>C. VCF-style: chr1-942947-A-C. GRCh37 (hg19) VCF-style: chr1-878327-A-C.
Other names: c.1945A>C, p.Thr649Pro (NM_001385640.1); c.1453A>C, p.Thr485Pro (NM_152486.4); c.1453A>C (NM_152486.2); short protein forms T485P, T648P, T649P.
Identifiers: ClinVar variation 1930841 (VCV001930841.3), dbSNP rs929876209, ClinGen allele CA16725398.